The following is an entry in ClinVar:

ClinVar aggregate classification (germline): Uncertain significance (1 of 4 stars; one submission).

Conditions:
Wilms tumor 1 (WT1). Also called: Wilms tumor, somatic. Identifiers: Orphanet 654, MedGen CN033288, MONDO:0008679, OMIM 194070.

Allele frequency attached by ClinVar (database versions not stated): gnomAD exomes 0.00001.

Submission:

Labcorp Genetics (formerly Invitae), Labcorp
Classification: Uncertain significance for Wilms tumor 1. Last evaluated: 2025-01-27. Review status: criteria provided, single submitter. Criteria: Invitae Variant Classification Sherloc (09022015). Collection method: clinical testing. Allele origin: germline.
Comment: This sequence change replaces valine, which is neutral and non-polar, with leucine, which is neutral and non-polar, at codon 52 of the GPC3 protein (p.Val52Leu). This variant is present in population databases (no rsID available, gnomAD 0.004%), including at least one homozygous and/or hemizygous individual. This variant has not been reported in the literature in individuals affected with GPC3-related conditions. ClinVar contains an entry for this variant (Variation ID: 947087). Invitae Evidence Modeling of protein sequence and biophysical properties (such as structural, functional, and spatial information, amino acid conservation, physicochemical variation, residue mobility, and thermodynamic stability) indicates that this missense variant is not expected to disrupt GPC3 protein function with a negative predictive value of 80%. In summary, the available evidence is currently insufficient to determine the role of this variant in disease. Therefore, it has been classified as a Variant of Uncertain Significance.

NM_004484.4(GPC3):c.154G>C (p.Val52Leu)

Gene: GPC3 (glypican 3; minus strand). Cytogenetic location: Xq26.2.
Variant type: single nucleotide variant.
Coding change: c.154G>C on transcript NM_004484.4 (MANE Select); coding-DNA position 154, G replaced by C.
Protein change: p.Val52Leu; replaces valine 52 with leucine.
Molecular consequence: missense variant.
Genome position (GRCh38, 1-based): chrX:133,985,296, C>G on the plus strand (G>C on the coding strand, the complement: GPC3 is on the minus strand). VCF-style: chrX-133985296-C-G. GRCh37 (hg19) VCF-style: chrX-133119323-C-G.
Other names: c.154G>C, p.Val52Leu (NM_001164617.2, NM_001164618.2, NM_001164619.2); short protein forms V52L.
Identifiers: ClinVar variation 947087 (VCV000947087.10), dbSNP rs1221218346, ClinGen allele CA414706914.